The following is an entry in ClinVar:

ClinVar aggregate classification (germline): Benign/Likely benign. Review status: criteria provided, multiple submitters, no conflicts (2 of 4 stars). 6 submissions from 6 submitters: Benign (3); Likely benign (2). 1 of the submissions does not count toward it. Last evaluated 2026-04-01.

Conditions:
PLCB4-related disorder. Also called: PLCB4-related condition.
Auriculocondylar syndrome 2 (ARCND2A). Also called: AURICULOCONDYLAR SYNDROME 2A. Identifiers: Orphanet 137888, MedGen C3553404, MONDO:0013845, OMIM 614669.

Allele frequency attached by ClinVar (database versions not stated): 1000 Genomes Project 30x 0.00031; 1000 Genomes Project 0.00040; TOPMed 0.00173; ESP Exome Variant Server 0.00215; gnomAD exomes 0.00216 and 0.00284; gnomAD 0.00225 and 0.00231; ExAC 0.00228.
gnomAD v4.1: 4,427 of 1,613,700 alleles (0.27%); highest among the groups gnomAD compares: Non-Finnish European, 0.34%; 10 homozygotes.

Submissions (6):

CeGaT Center for Human Genetics Tuebingen
Classification: Likely benign. Last evaluated: 2026-04-01. Review status: criteria provided, single submitter. Criteria: CeGaT Center For Human Genetics Tuebingen Variant Classification Criteria Version 2. Collection method: clinical testing. Allele origin: germline. Affected: yes. Observed: 1 variant allele.
Comment: PLCB4: BS2

Labcorp Genetics (formerly Invitae), Labcorp
Classification: Benign. Last evaluated: 2026-01-26. Review status: criteria provided, single submitter. Criteria: Invitae Variant Classification Sherloc (09022015). Collection method: clinical testing. Allele origin: germline.

Blueprint Genetics
Classification: Likely benign. Last evaluated: 2024-11-27. Review status: criteria provided, single submitter. Criteria: ACMG Guidelines, 2015. Collection method: clinical testing. Allele origin: germline.

Illumina Laboratory Services, Illumina
Classification: Benign for Auriculocondylar syndrome 2. Last evaluated: 2018-01-13. Review status: criteria provided, single submitter. Criteria: ICSL Variant Classification Criteria 13 December 2019. Collection method: clinical testing. Allele origin: germline.
Comment: This variant was observed in the ICSL laboratory as part of a predisposition screen in an ostensibly healthy population. It had not been previously curated by ICSL or reported in the Human Gene Mutation Database (HGMD: prior to June 1st, 2018), and was therefore a candidate for classification through an automated scoring system. Utilizing variant allele frequency, disease prevalence and penetrance estimates, and inheritance mode, an automated score was calculated to assess if this variant is too frequent to cause the disease. Based on the score and internal cut-off values, a variant classified as benign is not then subjected to further curation. The score for this variant resulted in a classification of benign for this disease.

Breakthrough Genomics
Classification: Benign. Review status: criteria provided, single submitter. Criteria: ACMG Guidelines, 2015. Collection method: not provided. Allele origin: germline. Inheritance: Autosomal dominant inheritance. Affected: yes.

PreventionGenetics, part of Exact Sciences
Classification: Likely benign for PLCB4-related condition. Last evaluated: 2024-03-25. Review status: no assertion criteria provided. Collection method: clinical testing. Allele origin: germline. Not counted in ClinVar's aggregate classification.
Comment: This variant is classified as likely benign based on ACMG/AMP sequence variant interpretation guidelines (Richards et al. 2015 PMID: 25741868, with internal and published modifications).

NM_001377142.1(PLCB4):c.1364A>G (p.Lys455Arg)

Gene: PLCB4 (phospholipase C beta 4; plus strand). Cytogenetic location: 20p12.2.
Variant type: single nucleotide variant.
Coding change: c.1364A>G on transcript NM_001377142.1 (MANE Select); coding-DNA position 1364, A replaced by G.
Protein change: p.Lys455Arg; replaces lysine 455 with arginine.
Molecular consequence: missense variant.
Genome position (GRCh38, 1-based): chr20:9,393,628, A>G. VCF-style: chr20-9393628-A-G. GRCh37 (hg19) VCF-style: chr20-9374275-A-G.
Other names: c.1364A>G, p.Lys455Arg (NM_000933.4, NM_001172646.2, NM_001377134.2 and 4 more transcripts); short protein forms K455R.
Identifiers: ClinVar variation 339561 (VCV000339561.15), dbSNP rs142617224, ClinGen allele CA9761076.
Genomic context (GRCh38, chr20:9,393,628, plus strand): 5'-CTCTTTCTGTTTCTCTCTAGCTTGAACCAGGCAGGGCTTTGCCATCCCCCAATGACCTCA[A>G]AAGAAAAATACTCATAAAAAACAAGCGGCTGAAACCTGAAGTTGAAAAAAGTAAGTGAAA-3'
Protein context (NP_001364071.1, residues 445-465): GRALPSPNDL[Lys455Arg]RKILIKNKRL